The following is an entry in ClinVar:

ClinVar aggregate classification (germline): Pathogenic (1 of 4 stars; one submission).

Conditions:
Galactosylceramide beta-galactosidase deficiency. Also called: GALACTOCEREBROSIDASE DEFICIENCY; GALC DEFICIENCY; GLOBOID CELL LEUKOENCEPHALOPATHY; Leukodystrophy, Globoid Cell; Krabbe Disease. Identifiers: Orphanet 487, MedGen C0023521, MONDO:0009499, OMIM 245200.

Submission:

Labcorp Genetics (formerly Invitae), Labcorp
Classification: Pathogenic for Galactosylceramide beta-galactosidase deficiency. Last evaluated: 2019-12-17. Review status: criteria provided, single submitter. Criteria: Invitae Variant Classification Sherloc (09022015). Collection method: clinical testing. Allele origin: germline.
Comment: This variant is a gross deletion of the genomic region encompassing exons 11-17 of the GALC gene. While it is not anticipated to result in nonsense mediated decay, it is expected to create a truncated protein product or disrupt mRNA translation. Loss-of-function variants in GALC are known to be pathogenic. This particular variant is consistent with the well known 30kb deletion, which is the most common cause of Krabbe disease in the European population, found in more than 30% of affected individuals investigated and at a frequency of 0.2% in a sample of 2,330 control European individuals (PMID: 7581365, 22073273, 26795590). This variant has been associated with an increased risk for primary open-angle glaucoma, but the clinical relevance of this finding is unclear (PMID: 22073273). For these reasons, this variant has been classified as Pathogenic.

Literature cited by the submitters: PubMed 26795590; PubMed 7581365; PubMed 22073273.

NC_000014.9:g.(?_87934712)_(87950768_?)del

Gene: GALC (galactosylceramidase; minus strand). Cytogenetic location: 14q31.3.
Variant type: Deletion.
Identifiers: ClinVar variation 456710 (VCV000456710.3).